The following is an entry in ClinVar:

ClinVar aggregate classification (germline): Uncertain significance (1 of 4 stars; one submission).

Conditions:
Hypertrophic cardiomyopathy. Also called: HYPERTROPHIC MYOCARDIOPATHY. Identifiers: Orphanet 217569, MedGen C0007194, MeSH D002312, MONDO:0005045, HP:0001639.

Submission:

Labcorp Genetics (formerly Invitae), Labcorp
Classification: Uncertain significance for Hypertrophic cardiomyopathy. Last evaluated: 2022-03-09. Review status: criteria provided, single submitter. Criteria: Invitae Variant Classification Sherloc (09022015). Collection method: clinical testing. Allele origin: germline.
Comment: In summary, the available evidence is currently insufficient to determine the role of this variant in disease. Therefore, it has been classified as a Variant of Uncertain Significance. Algorithms developed to predict the effect of missense changes on protein structure and function (SIFT, PolyPhen-2, Align-GVGD) all suggest that this variant is likely to be tolerated. ClinVar contains an entry for this variant (Variation ID: 963890). This variant has not been reported in the literature in individuals affected with MYOZ2-related conditions. This variant is not present in population databases (gnomAD no frequency). This sequence change replaces isoleucine, which is neutral and non-polar, with threonine, which is neutral and polar, at codon 81 of the MYOZ2 protein (p.Ile81Thr).

NM_016599.5(MYOZ2):c.242T>C (p.Ile81Thr)

Gene: MYOZ2 (myozenin 2; plus strand). Cytogenetic location: 4q26.
Variant type: single nucleotide variant.
Coding change: c.242T>C on transcript NM_016599.5 (MANE Select); coding-DNA position 242, T replaced by C.
Protein change: p.Ile81Thr; replaces isoleucine 81 with threonine.
Molecular consequence: missense variant.
Genome position (GRCh38, 1-based): chr4:119,151,037, T>C. VCF-style: chr4-119151037-T-C. GRCh37 (hg19) VCF-style: chr4-120072192-T-C.
Other names: short protein forms I81T.
Identifiers: ClinVar variation 963890 (VCV000963890.6), dbSNP rs1741439343, ClinGen allele CA358203756.